The following is an entry in ClinVar:

NM_006734.4(HIVEP2):c.2541T>A (p.Ser847Arg)

Gene: HIVEP2 (HIVEP zinc finger 2; minus strand). Cytogenetic location: 6q24.2.
Variant type: single nucleotide variant.
Coding change: c.2541T>A on transcript NM_006734.4 (MANE Select); coding-DNA position 2541, T replaced by A.
Protein change: p.Ser847Arg; replaces serine 847 with arginine.
Molecular consequence: missense variant.
Genome position (GRCh38, 1-based): chr6:142,772,198, A>T on the plus strand (T>A on the coding strand, the complement: HIVEP2 is on the minus strand). VCF-style: chr6-142772198-A-T. GRCh37 (hg19) VCF-style: chr6-143093335-A-T.
Other names: short protein forms S847R.
Identifiers: ClinVar variation 3898860 (VCV003898860.1).

ClinVar aggregate classification (germline): Uncertain significance (1 of 4 stars; one submission).

gnomAD v4.1: 3 of 1,613,888 alleles (0.00019%); highest among the groups gnomAD compares: Non-Finnish European, 0.00017%; no homozygotes.

Submission:

GeneDx
Classification: Uncertain significance. Last evaluated: 2024-11-12. Review status: criteria provided, single submitter. Criteria: GeneDx Variant Classification Process June 2021. Collection method: clinical testing. Allele origin: germline. Affected: yes.
Comment: Not observed at significant frequency in large population cohorts (gnomAD); In silico analysis indicates that this missense variant does not alter protein structure/function; Has not been previously published as pathogenic or benign to our knowledge